The following is an entry in ClinVar:

ClinVar aggregate classification (germline): Uncertain significance (1 of 4 stars; one submission).

Submission:

GeneDx
Classification: Uncertain significance. Last evaluated: 2025-03-10. Review status: criteria provided, single submitter. Criteria: GeneDx Variant Classification Process June 2021. Collection method: clinical testing. Allele origin: germline. Affected: yes.
Comment: Not observed at significant frequency in large population cohorts (gnomAD); In silico analysis indicates that this missense variant does not alter protein structure/function; Has not been previously published as pathogenic or benign to our knowledge

NM_152641.4(ARID2):c.4100G>C (p.Gly1367Ala)

Gene: ARID2 (AT-rich interaction domain 2; plus strand). Cytogenetic location: 12q12.
Variant type: single nucleotide variant.
Coding change: c.4100G>C on transcript NM_152641.4 (MANE Select); coding-DNA position 4100, G replaced by C.
Protein change: p.Gly1367Ala; replaces glycine 1367 with alanine.
Molecular consequence: missense variant.
Genome position (GRCh38, 1-based): chr12:45,852,223, G>C. VCF-style: chr12-45852223-G-C. GRCh37 (hg19) VCF-style: chr12-46246006-G-C.
Other names: c.4100G>C, p.Gly1367Ala (NM_001347839.2); short protein forms G1367A.
Identifiers: ClinVar variation 4083071 (VCV004083071.1).